The following is an entry in ClinVar:

NM_000094.4(COL7A1):c.6936+2T>C

Gene: COL7A1 (collagen type VII alpha 1 chain; minus strand). Cytogenetic location: 3p21.31.
Variant type: single nucleotide variant.
Coding change: c.6936+2T>C on transcript NM_000094.4 (MANE Select); the canonical splice donor site of the intron after coding-DNA position 6936, T replaced by C.
Molecular consequence: splice donor variant.
Genome position (GRCh38, 1-based): chr3:48,572,501, A>G on the plus strand (T>C on the coding strand, the complement: COL7A1 is on the minus strand). VCF-style: chr3-48572501-A-G. GRCh37 (hg19) VCF-style: chr3-48609934-A-G.
Identifiers: ClinVar variation 4849319 (VCV004849319.1).

ClinVar aggregate classification (germline): Likely pathogenic (1 of 4 stars; one submission).

Conditions:
Recessive dystrophic epidermolysis bullosa (RDEB). Also called: EPIDERMOLYSIS BULLOSA DYSTROPHICA, GENERALIZED SEVERE, AUTOSOMAL RECESSIVE; severe generalized recessive dystrophic epidermolysis bullosa; Epidermolysis Bullosa Distrophica Autosomal Recessive (RDEB); Recessive DEB (RDEB); epidermolysis bullosa dystrophica, autosomal recessive; DYSTROPHIC EPIDERMOLYSIS BULLOSA, AUTOSOMAL RECESSIVE. Identifiers: Orphanet 79408, Orphanet 79409, MedGen C0079474, MONDO:0009179, OMIM 226600.
Transient bullous dermolysis of the newborn (TBDN). Also called: DYSTROPHIC EPIDERMOLYSIS BULLOSA, NEONATAL; EPIDERMOLYSIS BULLOSA DYSTROPHICA, NEONATAL FORM. Identifiers: Orphanet 79411, MedGen C1851573, MONDO:0007548, OMIM 131705.
Pretibial dystrophic epidermolysis bullosa. Also called: Pretibial epidermolysis bullosa; Pretibial blistering; EPIDERMOLYSIS BULLOSA DYSTROPHICA, PRETIBIAL. Identifiers: Orphanet 79410, MedGen C0432321, MONDO:0007552, OMIM 131850, HP:0012221.
Epidermolysis bullosa pruriginosa. Also called: DEB, PRURIGINOSA; DYSTROPHIC EPIDERMOLYSIS BULLOSA PRURIGINOSA. Identifiers: Orphanet 89843, MedGen C1275114, MONDO:0011398, OMIM 604129.

Submission:

First Genomix Gene Laboratory, Genetic Diagnostics Department
Classification: Likely pathogenic for Recessive dystrophic epidermolysis bullosa; Epidermolysis bullosa pruriginosa; Pretibial dystrophic epidermolysis bullosa; Transient bullous dermolysis of the newborn. Last evaluated: 2025-07-25. Review status: criteria provided, single submitter. Criteria: ACMG Guidelines, 2015. Collection method: clinical testing. Allele origin: germline. Inheritance: Autosomal recessive inheritance. Affected: no. Observed: 1 variant allele.